The following is an entry in ClinVar:

NM_001244008.2(KIF1A):c.2493G>T (p.Val831=)

Gene: KIF1A (kinesin family member 1A; minus strand). Cytogenetic location: 2q37.3.
Variant type: single nucleotide variant.
Coding change: c.2493G>T on transcript NM_001244008.2 (MANE Select); coding-DNA position 2493, G replaced by T.
Protein change: p.Val831=; no amino-acid change (valine 831 retained).
Molecular consequence: synonymous variant.
Genome position (GRCh38, 1-based): chr2:240,758,449, C>A on the plus strand (G>T on the coding strand, the complement: KIF1A is on the minus strand). VCF-style: chr2-240758449-C-A. GRCh37 (hg19) VCF-style: chr2-241697866-C-A.
Other names: c.2493G>T, p.Val831= (NM_001320705.2, NM_001330289.2, NM_001379638.1); c.2568G>T, p.Val856= (NM_001330290.2, NM_001379631.1, NM_001379634.1 and 2 more transcripts); c.2466G>T, p.Val822= (NM_001379632.1, NM_001379633.1, NM_001379636.1 and 10 more transcripts); c.2541G>T, p.Val847= (NM_001379637.1, NM_001379648.1); c.2493G>T (NM_001244008.1).
Identifiers: ClinVar variation 379861 (VCV000379861.93), dbSNP rs201861261, ClinGen allele CA2208083.
Genomic context (GRCh38, chr2:240,758,449, plus strand): 5'-GTCATAGAAGGGGTCTCCGCCGGTCACCACGTTGTCACAGTCCTCGATGACACTGGAGGG[C>A]ACCTCTGCAGCGCGGTCGTACATCTCCCGCATCAGGTCCAGACGCTGCCTGCAGGGACGG-3'
Protein context (NP_001230937.1, residues 821-841): MREMYDRAAE[Val831=]PSSVIEDCDN

ClinVar aggregate classification (germline): Conflicting classifications of pathogenicity. Review status: criteria provided, conflicting classifications (1 of 4 stars). 8 submissions from 8 submitters: Uncertain significance (2); Likely benign (3). 3 of the submissions do not count toward it. Last evaluated 2026-01-24.

Conditions:
Hereditary spastic paraplegia 30. Identifiers: Orphanet 101010, MedGen C5235139, MONDO:0012476.
KIF1A-related disorder. Also called: KIF1A-related disorders; KIF1A-related condition.
Inborn genetic diseases. Identifiers: MedGen C0950123, MeSH D030342.
Intellectual disability, autosomal dominant 9 (NESCAVS). Also called: KIF1A-Related Neurodevelopmental Disorder; NESCAV SYNDROME. Identifiers: Orphanet 662367, MedGen C5393830, MONDO:0013656, OMIM 614255.
Neuropathy, hereditary sensory, type 2C. Also called: Hereditary sensory and autonomic neuropathy type IIC; KIF1A-Related HSAN2 (HSAN2C). Identifiers: Orphanet 970, MedGen C3280168, MONDO:0013634, OMIM 614213.

Allele frequency attached by ClinVar (database versions not stated): ESP Exome Variant Server 0.00023; TOPMed 0.00025; ExAC 0.00030.
gnomAD v4.1: 415 of 1,611,206 alleles (0.026%); highest among the groups gnomAD compares: Non-Finnish European, 0.023%; no homozygotes.

Submissions (8):

Labcorp Genetics (formerly Invitae), Labcorp
Classification: Likely benign for Hereditary spastic paraplegia 30; Neuropathy, hereditary sensory, type 2C; Intellectual disability, autosomal dominant 9. Last evaluated: 2026-01-24. Review status: criteria provided, single submitter. Criteria: Invitae Variant Classification Sherloc (09022015). Collection method: clinical testing. Allele origin: germline.

GeneDx
Classification: Likely benign. Last evaluated: 2021-02-16. Review status: criteria provided, single submitter. Criteria: GeneDx Variant Classification Process June 2021. Collection method: clinical testing. Allele origin: germline. Affected: yes.

Illumina Laboratory Services, Illumina
Classification: Uncertain significance for Spastic paraplegia 30A, autosomal dominant. Last evaluated: 2018-01-13. Review status: criteria provided, single submitter. Criteria: ICSL Variant Classification Criteria 13 December 2019. Collection method: clinical testing. Allele origin: germline.

Ambry Genetics
Classification: Likely benign for Inborn genetic diseases. Last evaluated: 2017-07-25. Review status: criteria provided, single submitter. Criteria: Ambry Variant Classification Scheme 2023. Collection method: clinical testing. Allele origin: germline.

CeGaT Center for Human Genetics Tuebingen
Classification: Uncertain significance. Last evaluated: 2016-06-01. Review status: criteria provided, single submitter. Criteria: CeGaT Center For Human Genetics Tuebingen Variant Classification Criteria Version 2. Collection method: clinical testing. Allele origin: germline. Affected: yes. Observed: 1 variant allele.

PreventionGenetics, part of Exact Sciences
Classification: Likely benign for KIF1A-related condition. Last evaluated: 2024-04-18. Review status: no assertion criteria provided. Collection method: clinical testing. Allele origin: germline. Not counted in ClinVar's aggregate classification.
Comment: This variant is classified as likely benign based on ACMG/AMP sequence variant interpretation guidelines (Richards et al. 2015 PMID: 25741868, with internal and published modifications).

Clinical Genetics DNA and cytogenetics Diagnostics Lab, Erasmus MC, Erasmus Medical Center
Classification: Likely benign. Review status: no assertion criteria provided. Collection method: clinical testing. Allele origin: germline. Affected: yes. Study: VKGL Data-share Consensus. Not counted in ClinVar's aggregate classification.

Genome Diagnostics Laboratory, University Medical Center Utrecht
Classification: Likely benign. Review status: no assertion criteria provided. Collection method: clinical testing. Allele origin: germline. Affected: yes. Study: VKGL Data-share Consensus. Not counted in ClinVar's aggregate classification.